The following is an entry in ClinVar:

NM_144991.3(TSPEAR):c.1726_1728delinsTT (p.Val576fs)

Genes: TSPEAR (thrombospondin type laminin G domain and EAR repeats; minus strand), TSPEAR-AS1 (TSPEAR antisense RNA 1; plus strand), LOC126653398 (CDK7 strongly-dependent group 2 enhancer GRCh37_chr21:45928270-45929469; plus strand). Cytogenetic location: 21q22.3.
Variant type: Indel.
Coding change: c.1726_1728delinsTT on transcript NM_144991.3 (MANE Select); coding-DNA positions 1726 to 1728, GTC replaced by TT.
Protein change: p.Val576fs; shifts the reading frame from valine 576.
Molecular consequence: frameshift variant.
Genome position (GRCh38, 1-based): chr21:44,509,225-44,509,227, GAC replaced by AA on the plus strand (GTC replaced by TT on the coding strand, the reverse complement: TSPEAR is on the minus strand). VCF-style: chr21-44509225-GAC-AA. GRCh37 (hg19) VCF-style: chr21-45929108-GAC-AA.
Other names: c.1522_1524delinsTT, p.Val508fs (NM_001272037.2); short protein forms V508fs, V576fs.
Identifiers: ClinVar variation 584443 (VCV000584443.12), dbSNP rs1569151872, ClinGen allele CA645509018.

ClinVar aggregate classification (germline): Pathogenic/Likely pathogenic. Review status: criteria provided, multiple submitters, no conflicts (2 of 4 stars). 5 submissions from 5 submitters: Pathogenic (3); Likely pathogenic (2). Last evaluated 2025-09-19.

Conditions:
Ectodermal dysplasia 14, hair/tooth type with or without hypohidrosis. Identifiers: Orphanet 685067, MedGen C4748560, MONDO:0032584, OMIM 618180.
Autosomal recessive nonsyndromic hearing loss 98. Also called: Deafness, autosomal recessive 98. Identifiers: Orphanet 90636, MedGen C3553932, MONDO:0013929, OMIM 614861.
Tooth agenesis, selective, 10 (STHAG10). Identifiers: MedGen C5774277, MONDO:0859339, OMIM 620173.
TSPEAR-related disorder of tooth and hair follicle morphogenesis.

Submissions (5):

First Genomix Gene Laboratory, Genetic Diagnostics Department
Classification: Pathogenic for Autosomal recessive nonsyndromic hearing loss 98; Ectodermal dysplasia 14, hair/tooth type with or without hypohidrosis; Tooth agenesis, selective, 10. Last evaluated: 2025-09-19. Review status: criteria provided, single submitter. Criteria: ACMG Guidelines, 2015. Collection method: clinical testing. Allele origin: germline. Inheritance: Autosomal recessive inheritance. Affected: no. Observed: 1 variant allele.

GeneDx
Classification: Pathogenic. Last evaluated: 2025-09-02. Review status: criteria provided, single submitter. Criteria: GeneDx Variant Classification Process June 2021. Collection method: clinical testing. Allele origin: germline. Affected: yes.
Comment: Reported in the homozygous state and with a second variant in the TSPEAR gene in several unrelated patients with dental anomalies, scalp hypotrichosis, and dysmorphic facial features in the literature (PMID: 30046887, 34042254, 27736875); Published functional studies suggest a damaging effect by altering the protein localization and secretion (PMID: 22678063); Frameshift variant predicted to result in abnormal protein length as the last 94 amino acid(s) are replaced with 37 different amino acid(s), and other similar variants have been reported in HGMD; Not observed at significant frequency in large population cohorts (gnomAD); This variant is associated with the following publications: (PMID: 22678063, 34042254, 37009414, 27736875, 30046887, 39333051)

Labcorp Genetics (formerly Invitae), Labcorp
Classification: Pathogenic. Last evaluated: 2025-06-06. Review status: criteria provided, single submitter. Criteria: Invitae Variant Classification Sherloc (09022015). Collection method: clinical testing. Allele origin: germline.
Comment: This sequence change creates a premature translational stop signal (p.Val576Leufs*38) in the TSPEAR gene. While this is not anticipated to result in nonsense mediated decay, it is expected to disrupt the last 94 amino acid(s) of the TSPEAR protein. This variant is present in population databases (rs782540538, gnomAD 0.006%). This premature translational stop signal has been observed in individual(s) with ectodermal dysplasia and/or tooth agenesis (PMID: 27736875, 30046887). In at least one individual the data is consistent with being in trans (on the opposite chromosome) from a pathogenic variant. This variant is also known as c.1726G>T + c.1728del. ClinVar contains an entry for this variant (Variation ID: 37311). Algorithms developed to predict the effect of sequence changes on RNA splicing suggest that this variant may create or strengthen a splice site. For these reasons, this variant has been classified as Pathogenic.

Baylor Genetics
Classification: Likely pathogenic for Ectodermal dysplasia 14, hair/tooth type with or without hypohidrosis. Last evaluated: 2020-01-23. Review status: criteria provided, single submitter. Criteria: ACMG Guidelines, 2015. Collection method: clinical testing. Allele origin: unknown. Affected: yes.
Comment: This variant was determined to be likely pathogenic according to ACMG Guidelines, 2015 [PMID:25741868].

Undiagnosed Diseases Network, NIH
Classification: Likely pathogenic for TSPEAR-related disorder of tooth and hair follicle morphogenesis. Last evaluated: 2018-06-25. Review status: criteria provided, single submitter. Criteria: ACMG Guidelines, 2015. Collection method: clinical testing. Allele origin: paternal. Inheritance: Autosomal recessive inheritance. Affected: yes. Observed: 1 variant allele, 1 compound heterozygote. Study: Undiagnosed Diseases Network (NIH), UDN.

Literature cited by the submitters: PubMed 27736875 (cited by Labcorp Genetics (formerly Invitae), Labcorp and Undiagnosed Diseases Network, NIH); PubMed 30046887 (cited by Labcorp Genetics (formerly Invitae), Labcorp).